The following is an entry in ClinVar:

NM_003458.4(BSN):c.10840A>G (p.Arg3614Gly)

Gene: BSN (bassoon presynaptic cytomatrix protein; plus strand). Cytogenetic location: 3p21.31.
Variant type: single nucleotide variant.
Coding change: c.10840A>G on transcript NM_003458.4 (MANE Select); coding-DNA position 10840, A replaced by G.
Protein change: p.Arg3614Gly; replaces arginine 3614 with glycine.
Molecular consequence: missense variant.
Genome position (GRCh38, 1-based): chr3:49,662,998, A>G. VCF-style: chr3-49662998-A-G. GRCh37 (hg19) VCF-style: chr3-49700431-A-G.
Other names: short protein forms R3614G.
Identifiers: ClinVar variation 5009506 (VCV005009506.1).

ClinVar aggregate classification (germline): Uncertain significance (1 of 4 stars; one submission).

Submission:

GeneDx
Classification: Uncertain significance. Last evaluated: 2026-03-20. Review status: criteria provided, single submitter. Criteria: GeneDx Variant Classification Process June 2021. Collection method: clinical testing. Allele origin: germline.
Comment: Not observed at significant frequency in large population cohorts (gnomAD); In silico analysis suggests that this missense variant does not alter protein structure/function; Has not been previously published as pathogenic or benign to our knowledge